The following is an entry in ClinVar:

ClinVar aggregate classification (germline): Uncertain significance. Review status: criteria provided, multiple submitters, no conflicts (2 of 4 stars). 2 submissions from 2 submitters: Uncertain significance (2). Last evaluated 2025-03-24.

gnomAD v4.1: 1 of 1,612,606 alleles (0.000062%); no homozygotes.

Submissions (2):

Labcorp Genetics (formerly Invitae), Labcorp
Classification: Uncertain significance. Last evaluated: 2025-03-24. Review status: criteria provided, single submitter. Criteria: Invitae Variant Classification Sherloc (09022015). Collection method: clinical testing. Allele origin: germline.
Comment: This sequence change replaces lysine, which is basic and polar, with threonine, which is neutral and polar, at codon 962 of the COL11A2 protein (p.Lys962Thr). This variant is not present in population databases (gnomAD no frequency). This variant has not been reported in the literature in individuals affected with COL11A2-related conditions. ClinVar contains an entry for this variant (Variation ID: 1806642). Invitae Evidence Modeling of protein sequence and biophysical properties (such as structural, functional, and spatial information, amino acid conservation, physicochemical variation, residue mobility, and thermodynamic stability) indicates that this missense variant is not expected to disrupt COL11A2 protein function with a negative predictive value of 95%. In summary, the available evidence is currently insufficient to determine the role of this variant in disease. Therefore, it has been classified as a Variant of Uncertain Significance.

GeneDx
Classification: Uncertain significance. Last evaluated: 2022-06-21. Review status: criteria provided, single submitter. Criteria: GeneDx Variant Classification Process June 2021. Collection method: clinical testing. Allele origin: germline. Affected: yes.
Comment: Not observed at significant frequency in large population cohorts (gnomAD); In silico analysis supports that this missense variant has a deleterious effect on protein structure/function; Has not been previously published as pathogenic or benign to our knowledge

NM_080680.3(COL11A2):c.2885A>C (p.Lys962Thr)

Gene: COL11A2 (collagen type XI alpha 2 chain; minus strand). Cytogenetic location: 6p21.32.
Variant type: single nucleotide variant.
Coding change: c.2885A>C on transcript NM_080680.3 (MANE Select); coding-DNA position 2885, A replaced by C.
Protein change: p.Lys962Thr; replaces lysine 962 with threonine.
Molecular consequence: missense variant.
Genome position (GRCh38, 1-based): chr6:33,172,543, T>G on the plus strand (A>C on the coding strand, the complement: COL11A2 is on the minus strand). VCF-style: chr6-33172543-T-G. GRCh37 (hg19) VCF-style: chr6-33140320-T-G.
Other names: c.2564A>C, p.Lys855Thr (NM_080679.3); c.2627A>C, p.Lys876Thr (NM_080681.3); short protein forms K855T, K876T, K962T.
Identifiers: ClinVar variation 1806642 (VCV001806642.2), dbSNP rs2534891191, ClinGen allele CA363637534.